The following is an entry in ClinVar:

NM_006940.6(SOX5):c.1749C>T (p.Asn583=)

Gene: SOX5 (SRY-box transcription factor 5; minus strand). Cytogenetic location: 12p12.1.
Variant type: single nucleotide variant.
Coding change: c.1749C>T on transcript NM_006940.6 (MANE Select); coding-DNA position 1749, C replaced by T.
Protein change: p.Asn583=; no amino-acid change (asparagine 583 retained).
Molecular consequence: synonymous variant.
Genome position (GRCh38, 1-based): chr12:23,543,233, G>A on the plus strand (C>T on the coding strand, the complement: SOX5 is on the minus strand). VCF-style: chr12-23543233-G-A. GRCh37 (hg19) VCF-style: chr12-23696167-G-A.
Other names: c.1386C>T, p.Asn462= (NM_001261414.3); c.1719C>T, p.Asn573= (NM_001261415.3); c.1644C>T, p.Asn548= (NM_001330785.2); c.1710C>T, p.Asn570= (NM_152989.5); c.591C>T, p.Asn197= (NM_178010.4).
Identifiers: ClinVar variation 1701191 (VCV001701191.31), dbSNP rs2136020785, ClinGen allele CA478998439.
Genomic context (GRCh38, chr12:23,543,233, plus strand): 5'-TATTCCATACGTCACTTAGTTCTTAATGGTTTTCTTACCCAATATCTTGCTGATGTTGGA[G>A]TTGTGCATGTCAGGAAAGGCTTGAAGGATCTTTCTCCGTTCATCTTTAGCCCACACCATG-3'
Protein context (NP_008871.3, residues 573-593): KILQAFPDMH[Asn583=]SNISKILGSR

ClinVar aggregate classification (germline): Likely benign (1 of 4 stars; one submission).

Submission:

CeGaT Center for Human Genetics Tuebingen
Classification: Likely benign. Last evaluated: 2022-07-01. Review status: criteria provided, single submitter. Criteria: CeGaT Center For Human Genetics Tuebingen Variant Classification Criteria Version 2. Collection method: clinical testing. Allele origin: germline. Affected: yes. Observed: 1 variant allele.
Comment: SOX5: PM2:Supporting, BP4, BP7